The following is an entry in ClinVar:

ClinVar aggregate classification (germline): Uncertain significance (1 of 4 stars; one submission).

Conditions:
Episodic kinesigenic dyskinesia (EKD). Also called: Paroxysmal kinesigenic dyskinesia. Identifiers: Orphanet 98809, MedGen C1868682, MONDO:0044202.

Allele frequency attached by ClinVar (database versions not stated): TOPMed below 0.00001.

Submission:

Labcorp Genetics (formerly Invitae), Labcorp
Classification: Uncertain significance for Episodic kinesigenic dyskinesia. Last evaluated: 2022-12-16. Review status: criteria provided, single submitter. Criteria: Invitae Variant Classification Sherloc (09022015). Collection method: clinical testing. Allele origin: germline.
Comment: This sequence change replaces methionine, which is neutral and non-polar, with isoleucine, which is neutral and non-polar, at codon 280 of the PRRT2 protein (p.Met280Ile). This variant is not present in population databases (gnomAD no frequency). This variant has not been reported in the literature in individuals affected with PRRT2-related conditions. Advanced modeling of protein sequence and biophysical properties (such as structural, functional, and spatial information, amino acid conservation, physicochemical variation, residue mobility, and thermodynamic stability) performed at Invitae indicates that this missense variant is not expected to disrupt PRRT2 protein function. In summary, the available evidence is currently insufficient to determine the role of this variant in disease. Therefore, it has been classified as a Variant of Uncertain Significance.

NM_145239.3(PRRT2):c.840G>A (p.Met280Ile)

Genes: MVP-DT (MVP divergent transcript; minus strand), PRRT2 (proline rich transmembrane protein 2; plus strand). Cytogenetic location: 16p11.2.
Variant type: single nucleotide variant.
Coding change: c.840G>A on transcript NM_145239.3 (MANE Select); coding-DNA position 840, G replaced by A.
Protein change: p.Met280Ile; replaces methionine 280 with isoleucine.
Molecular consequence: missense variant.
Genome position (GRCh38, 1-based): chr16:29,813,894, G>A. VCF-style: chr16-29813894-G-A. GRCh37 (hg19) VCF-style: chr16-29825215-G-A.
Other names: c.840G>A, p.Met280Ile (NM_001256442.2, NM_001256443.2); short protein forms M280I.
Identifiers: ClinVar variation 2963631 (VCV002963631.3), dbSNP rs1900115106, ClinGen allele CA395480055.